The following is an entry in ClinVar:

NM_001127208.3(TET2):c.972A>G (p.Gln324=)

Genes: TET2 (tet methylcytosine dioxygenase 2; plus strand), TET2-AS1 (TET2 antisense RNA 1; minus strand). Cytogenetic location: 4q24.
Variant type: single nucleotide variant.
Coding change: c.972A>G on transcript NM_001127208.3 (MANE Select); coding-DNA position 972, A replaced by G.
Protein change: p.Gln324=; no amino-acid change (glutamine 324 retained).
Molecular consequence: synonymous variant.
Genome position (GRCh38, 1-based): chr4:105,234,914, A>G. VCF-style: chr4-105234914-A-G. GRCh37 (hg19) VCF-style: chr4-106156071-A-G.
Other names: c.972A>G, p.Gln324= (NM_017628.4).
Identifiers: ClinVar variation 2052183 (VCV002052183.29), dbSNP rs35215495, ClinGen allele CA3031601.

ClinVar aggregate classification (germline): Benign/Likely benign. Review status: criteria provided, multiple submitters, no conflicts (2 of 4 stars). 3 submissions from 3 submitters: Benign (1); Likely benign (2). Last evaluated 2026-01-21.

Allele frequency attached by ClinVar (database versions not stated): TOPMed 0.00026; ESP Exome Variant Server 0.00054; gnomAD exomes 0.00096; 1000 Genomes Project 30x 0.00156; 1000 Genomes Project 0.00180; ExAC 0.00186; gnomAD 0.00192.
gnomAD v4.1: 1,673 of 1,614,108 alleles (0.1%); highest among the groups gnomAD compares: Non-Finnish European, 0.041%; 9 homozygotes.

Submissions (3):

Labcorp Genetics (formerly Invitae), Labcorp
Classification: Benign. Last evaluated: 2026-01-21. Review status: criteria provided, single submitter. Criteria: Invitae Variant Classification Sherloc (09022015). Collection method: clinical testing. Allele origin: germline.

Ambry Genetics
Classification: Likely benign. Last evaluated: 2024-10-05. Review status: criteria provided, single submitter. Criteria: Ambry Variant Classification Scheme 2023. Collection method: clinical testing. Allele origin: germline.

CeGaT Center for Human Genetics Tuebingen
Classification: Likely benign. Last evaluated: 2024-09-01. Review status: criteria provided, single submitter. Criteria: CeGaT Center For Human Genetics Tuebingen Variant Classification Criteria Version 2. Collection method: clinical testing. Allele origin: germline. Affected: yes. Observed: 3 variant alleles.
Comment: TET2: BP4, BP7